The following is an entry in ClinVar:

ClinVar aggregate classification (germline): Benign/Likely benign. Review status: criteria provided, multiple submitters, no conflicts (2 of 4 stars). 4 submissions from 4 submitters: Benign (3); Likely benign (1). Last evaluated 2026-01-26.

Conditions:
Emery-Dreifuss muscular dystrophy 5, autosomal dominant (EDMD5). Also called: EMERY-DREIFUSS MUSCULAR DYSTROPHY 5. Identifiers: Orphanet 261, MedGen C2751805, MONDO:0013072, OMIM 612999.

Allele frequency attached by ClinVar (database versions not stated): gnomAD exomes 0.00125; ExAC 0.00152; 1000 Genomes Project 0.00439; gnomAD 0.00527 and 0.00564; ESP Exome Variant Server 0.00554; 1000 Genomes Project 30x 0.00593; TOPMed 0.00603.
gnomAD v4.1: 1,534 of 1,614,178 alleles (0.095%); highest among the groups gnomAD compares: African/African-American, 1.9%; 15 homozygotes.

Submissions (4):

Labcorp Genetics (formerly Invitae), Labcorp
Classification: Benign for Emery-Dreifuss muscular dystrophy 5, autosomal dominant. Last evaluated: 2026-01-26. Review status: criteria provided, single submitter. Criteria: Invitae Variant Classification Sherloc (09022015). Collection method: clinical testing. Allele origin: germline.

Blueprint Genetics
Classification: Likely benign. Last evaluated: 2024-11-26. Review status: criteria provided, single submitter. Criteria: ACMG Guidelines, 2015. Collection method: clinical testing. Allele origin: germline.

Illumina Laboratory Services, Illumina
Classification: Benign for Emery-Dreifuss muscular dystrophy 5, autosomal dominant. Last evaluated: 2018-01-13. Review status: criteria provided, single submitter. Criteria: ICSL Variant Classification Criteria 13 December 2019. Collection method: clinical testing. Allele origin: germline.
Comment: This variant was observed in the ICSL laboratory as part of a predisposition screen in an ostensibly healthy population. It had not been previously curated by ICSL or reported in the Human Gene Mutation Database (HGMD: prior to June 1st, 2018), and was therefore a candidate for classification through an automated scoring system. Utilizing variant allele frequency, disease prevalence and penetrance estimates, and inheritance mode, an automated score was calculated to assess if this variant is too frequent to cause the disease. Based on the score and internal cut-off values, a variant classified as benign is not then subjected to further curation. The score for this variant resulted in a classification of benign for this disease.

Breakthrough Genomics
Classification: Benign. Review status: criteria provided, single submitter. Criteria: ACMG Guidelines, 2015. Collection method: not provided. Allele origin: germline. Inheritance: Autosomal dominant inheritance. Affected: yes.

NM_182914.3(SYNE2):c.13708-14C>A

Gene: SYNE2 (spectrin repeat containing nuclear envelope protein 2; plus strand). Cytogenetic location: 14q23.2.
Variant type: single nucleotide variant.
Coding change: c.13708-14C>A on transcript NM_182914.3 (MANE Select); 14 bases into the intron before coding-DNA position 13708, C replaced by A.
Molecular consequence: intron variant.
Genome position (GRCh38, 1-based): chr14:64,126,584, C>A. VCF-style: chr14-64126584-C-A. GRCh37 (hg19) VCF-style: chr14-64593302-C-A.
Other names: c.13708-14C>A (NM_015180.6).
Identifiers: ClinVar variation 313592 (VCV000313592.16), dbSNP rs11850329, ClinGen allele CA7222555.
Genomic context (GRCh38, chr14:64,126,584, plus strand): 5'-CCCGTGAGTTAAGCCCACGTGGAAGCCTCTTGAGGTCAGAGCTCATTCATTGTCTTCCTT[C>A]CTCTCCACTCCAGACGCTGGCTCTTGAGTTGAAGAAACTTTATTTAGCGCTAAGTGACAA-3'